The following is an entry in ClinVar:

NM_080680.3(COL11A2):c.4070G>T (p.Gly1357Val)

Gene: COL11A2 (collagen type XI alpha 2 chain; minus strand). Cytogenetic location: 6p21.32.
Variant type: single nucleotide variant.
Coding change: c.4070G>T on transcript NM_080680.3 (MANE Select); coding-DNA position 4070, G replaced by T.
Protein change: p.Gly1357Val; replaces glycine 1357 with valine.
Molecular consequence: missense variant.
Genome position (GRCh38, 1-based): chr6:33,167,478, C>A on the plus strand (G>T on the coding strand, the complement: COL11A2 is on the minus strand). VCF-style: chr6-33167478-C-A. GRCh37 (hg19) VCF-style: chr6-33135255-C-A.
Other names: c.3749G>T, p.Gly1250Val (NM_080679.3); c.3812G>T, p.Gly1271Val (NM_080681.3); short protein forms G1357V, G1250V, G1271V.
Identifiers: ClinVar variation 2169723 (VCV002169723.4), dbSNP rs2534583171, ClinGen allele CA363623426.

ClinVar aggregate classification (germline): Uncertain significance (1 of 4 stars; one submission).

Submission:

Labcorp Genetics (formerly Invitae), Labcorp
Classification: Uncertain significance. Last evaluated: 2025-11-15. Review status: criteria provided, single submitter. Criteria: Invitae Variant Classification Sherloc (09022015). Collection method: clinical testing. Allele origin: germline.
Comment: This sequence change replaces glycine, which is neutral and non-polar, with valine, which is neutral and non-polar, at codon 1357 of the COL11A2 protein (p.Gly1357Val). This variant is not present in population databases (gnomAD no frequency). This variant has not been reported in the literature in individuals affected with COL11A2-related conditions. ClinVar contains an entry for this variant (Variation ID: 2169723). Invitae Evidence Modeling of protein sequence and biophysical properties (such as structural, functional, and spatial information, amino acid conservation, physicochemical variation, residue mobility, and thermodynamic stability) indicates that this missense variant is expected to disrupt COL11A2 protein function with a positive predictive value of 95%. In summary, the available evidence is currently insufficient to determine the role of this variant in disease. Therefore, it has been classified as a Variant of Uncertain Significance.